The following is an entry in ClinVar:

ClinVar aggregate classification (germline): Uncertain significance. Review status: criteria provided, multiple submitters, no conflicts (2 of 4 stars). 2 submissions from 2 submitters: Uncertain significance (2). Last evaluated 2022-10-21.

Conditions:
Hypertrophic cardiomyopathy. Also called: HYPERTROPHIC MYOCARDIOPATHY. Identifiers: Orphanet 217569, MedGen C0007194, MeSH D002312, MONDO:0005045, HP:0001639.

Allele frequency attached by ClinVar (database versions not stated): gnomAD 0.00001 and 0.00002; gnomAD exomes 0.00002 and 0.00003; TOPMed 0.00002; ExAC 0.00003.
gnomAD v4.1: 45 of 1,613,114 alleles (0.0028%); highest among the groups gnomAD compares: East Asian, 0.1%; no homozygotes.

Submissions (2):

Ambry Genetics
Classification: Uncertain significance. Last evaluated: 2022-10-21. Review status: criteria provided, single submitter. Criteria: Ambry Variant Classification Scheme 2023. Collection method: clinical testing. Allele origin: germline.
Comment: The p.S992I variant (also known as c.2975G>T), located in coding exon 18 of the MYOM1 gene, results from a G to T substitution at nucleotide position 2975. The serine at codon 992 is replaced by isoleucine, an amino acid with dissimilar properties. This amino acid position is conserved. In addition, the in silico prediction for this alteration is inconclusive. Since supporting evidence is limited at this time, the clinical significance of this alteration remains unclear.

Labcorp Genetics (formerly Invitae), Labcorp
Classification: Uncertain significance for Hypertrophic cardiomyopathy. Last evaluated: 2020-02-10. Review status: criteria provided, single submitter. Criteria: Invitae Variant Classification Sherloc (09022015). Collection method: clinical testing. Allele origin: germline.
Comment: In summary, the available evidence is currently insufficient to determine the role of this variant in disease. Therefore, it has been classified as a Variant of Uncertain Significance. Algorithms developed to predict the effect of missense changes on protein structure and function are either unavailable or do not agree on the potential impact of this missense change (SIFT: "Deleterious"; PolyPhen-2: "Probably Damaging"; Align-GVGD: "Class C0"). This variant has not been reported in the literature in individuals with MYOM1-related disease. This variant is present in population databases (rs751491766, ExAC 0.04%). This sequence change replaces serine with isoleucine at codon 992 of the MYOM1 protein (p.Ser992Ile). The serine residue is moderately conserved and there is a large physicochemical difference between serine and isoleucine.

NM_003803.4(MYOM1):c.2975G>T (p.Ser992Ile)

Gene: MYOM1 (myomesin 1; minus strand). Cytogenetic location: 18p11.31.
Variant type: single nucleotide variant.
Coding change: c.2975G>T on transcript NM_003803.4 (MANE Select); coding-DNA position 2975, G replaced by T.
Protein change: p.Ser992Ile; replaces serine 992 with isoleucine.
Molecular consequence: missense variant.
Genome position (GRCh38, 1-based): chr18:3,126,717, C>A on the plus strand (G>T on the coding strand, the complement: MYOM1 is on the minus strand). VCF-style: chr18-3126717-C-A. GRCh37 (hg19) VCF-style: chr18-3126715-C-A.
Other names: c.2687G>T, p.Ser896Ile (NM_019856.2); short protein forms S992I, S896I.
Identifiers: ClinVar variation 568977 (VCV000568977.11), dbSNP rs751491766, ClinGen allele CA8874486.